The following is an entry in ClinVar:

ClinVar aggregate classification (germline): Uncertain significance (1 of 4 stars; one submission).

Conditions:
Ehlers-Danlos syndrome, classic type, 1 (EDSCL1). Also called: EDS I; EHLERS-DANLOS SYNDROME, GRAVIS TYPE; EHLERS-DANLOS SYNDROME, SEVERE CLASSIC TYPE; Ehlers-Danlos Syndrome, Classic Type, COL5A1-Related; Ehlers-Danlos syndrome, type 1. Identifiers: MedGen C0268335, MONDO:0019567, OMIM 130000.

Submission:

Labcorp Genetics (formerly Invitae), Labcorp
Classification: Uncertain significance for Ehlers-Danlos syndrome, classic type, 1. Last evaluated: 2022-03-18. Review status: criteria provided, single submitter. Criteria: Invitae Variant Classification Sherloc (09022015). Collection method: clinical testing. Allele origin: germline.
Comment: This sequence change replaces asparagine, which is neutral and polar, with histidine, which is basic and polar, at codon 951 of the COL5A1 protein (p.Asn951His). This variant is not present in population databases (gnomAD no frequency). This variant has not been reported in the literature in individuals affected with COL5A1-related conditions. ClinVar contains an entry for this variant (Variation ID: 647608). Advanced modeling of protein sequence and biophysical properties (such as structural, functional, and spatial information, amino acid conservation, physicochemical variation, residue mobility, and thermodynamic stability) performed at Invitae indicates that this missense variant is not expected to disrupt COL5A1 protein function. In summary, the available evidence is currently insufficient to determine the role of this variant in disease. Therefore, it has been classified as a Variant of Uncertain Significance.

NM_000093.5(COL5A1):c.2851A>C (p.Asn951His)

Gene: COL5A1 (collagen type V alpha 1 chain; plus strand). Cytogenetic location: 9q34.3.
Variant type: single nucleotide variant.
Coding change: c.2851A>C on transcript NM_000093.5 (MANE Select); coding-DNA position 2851, A replaced by C.
Protein change: p.Asn951His; replaces asparagine 951 with histidine.
Molecular consequence: missense variant.
Genome position (GRCh38, 1-based): chr9:134,796,854, A>C. VCF-style: chr9-134796854-A-C. GRCh37 (hg19) VCF-style: chr9-137688700-A-C.
Other names: c.2851A>C, p.Asn951His (NM_001278074.1); short protein forms N951H.
Identifiers: ClinVar variation 647608 (VCV000647608.10), dbSNP rs1588560410, ClinGen allele CA375457022.